The following is an entry in ClinVar:

NM_001042492.3(NF1):c.6949T>C (p.Trp2317Arg)

Gene: NF1 (neurofibromin 1; plus strand). Cytogenetic location: 17q11.2.
Variant type: single nucleotide variant.
Coding change: c.6949T>C on transcript NM_001042492.3 (MANE Select); coding-DNA position 6949, T replaced by C.
Protein change: p.Trp2317Arg; replaces tryptophan 2317 with arginine.
Molecular consequence: missense variant.
Genome position (GRCh38, 1-based): chr17:31,340,532, T>C. VCF-style: chr17-31340532-T-C. GRCh37 (hg19) VCF-style: chr17-29667550-T-C.
Other names: c.6886T>C, p.Trp2296Arg (NM_000267.4); short protein forms W2296R, W2317R.
Identifiers: ClinVar variation 2090602 (VCV002090602.4), dbSNP rs1060500297, ClinGen allele CA399014899.
Genomic context (GRCh38, chr17:31,340,532, plus strand): 5'-TCTTACTAGCCTCAAACATATCTTCTTTGCCAGGACTCGCCTCTGCACAAAGCCCTCTTT[T>C]GGGTAGCTGTGGCTGTGCTGCAGCTTGATGAGGTCAACTTGTATTCAGCAGGTACCGCAC-3'
Protein context (NP_001035957.1, residues 2307-2327): KDSPLHKALF[Trp2317Arg]VAVAVLQLDE

ClinVar aggregate classification (germline): Likely pathogenic (1 of 4 stars; one submission).

Conditions:
Neurofibromatosis, type 1 (NF1). Also called: NEUROFIBROMATOSIS, TYPE I, SOMATIC; Neurofibromatosis, type I; Peripheral type neurofibromatosis; VON RECKLINGHAUSEN DISEASE. Identifiers: Orphanet 636, MedGen C0027831, MONDO:0018975, OMIM 162200. Disease mechanism: loss of function.

Submission:

Labcorp Genetics (formerly Invitae), Labcorp
Classification: Likely pathogenic for Neurofibromatosis, type 1. Last evaluated: 2023-11-13. Review status: criteria provided, single submitter. Criteria: Invitae Variant Classification Sherloc (09022015). Collection method: clinical testing. Allele origin: germline.
Comment: This sequence change replaces tryptophan, which is neutral and slightly polar, with arginine, which is basic and polar, at codon 2296 of the NF1 protein (p.Trp2296Arg). This variant is not present in population databases (gnomAD no frequency). This missense change has been observed in individual(s) with neurofibromatosis type 1 (Invitae). ClinVar contains an entry for this variant (Variation ID: 2090602). Advanced modeling of protein sequence and biophysical properties (such as structural, functional, and spatial information, amino acid conservation, physicochemical variation, residue mobility, and thermodynamic stability) performed at Invitae indicates that this missense variant is expected to disrupt NF1 protein function with a positive predictive value of 95%. In summary, the currently available evidence indicates that the variant is pathogenic, but additional data are needed to prove that conclusively. Therefore, this variant has been classified as Likely Pathogenic.